The following is an entry in ClinVar:

NM_014714.4(IFT140):c.7C>T (p.Leu3Phe)

Genes: IFT140 (intraflagellar transport 140; minus strand), LOC105371046 (uncharacterized LOC105371046; plus strand). Cytogenetic location: 16p13.3.
Variant type: single nucleotide variant.
Coding change: c.7C>T on transcript NM_014714.4 (MANE Select); coding-DNA position 7, C replaced by T.
Protein change: p.Leu3Phe; replaces leucine 3 with phenylalanine.
Molecular consequence: missense variant.
Genome position (GRCh38, 1-based): chr16:1,607,260, G>A on the plus strand (C>T on the coding strand, the complement: IFT140 is on the minus strand). VCF-style: chr16-1607260-G-A. GRCh37 (hg19) VCF-style: chr16-1657261-G-A.
Other names: short protein forms L3F.
Identifiers: ClinVar variation 839114 (VCV000839114.8), dbSNP rs1442341163, ClinGen allele CA394194883.

ClinVar aggregate classification (germline): Uncertain significance. Review status: criteria provided, multiple submitters, no conflicts (2 of 4 stars). 2 submissions from 2 submitters: Uncertain significance (2). Last evaluated 2022-09-01.

Conditions:
Saldino-Mainzer syndrome (SRTD9). Also called: short-rib thoracic dysplasia 9 with or without polydactyly; SHORT-RIB THORACIC DYSPLASIA 9 WITHOUT POLYDACTYLY; CONORENAL SYNDROME; Renal dysplasia, retinal pigmentary dystrophy, cerebellar ataxia and skeletal dysplasia. Identifiers: Orphanet 140969, MedGen C1849437, MONDO:0009964, OMIM 266920.
Retinitis pigmentosa 80 (RP80). Identifiers: MedGen C4540439, MONDO:0054708, OMIM 617781.

Allele frequency attached by ClinVar (database versions not stated): gnomAD exomes below 0.00001 and 0.00001; TOPMed below 0.00001.
gnomAD v4.1: 3 of 1,613,454 alleles (0.00019%); highest among the groups gnomAD compares: Admixed American, 0.0033%; no homozygotes.

Submissions (2):

Labcorp Genetics (formerly Invitae), Labcorp
Classification: Uncertain significance for Saldino-Mainzer syndrome. Last evaluated: 2022-09-01. Review status: criteria provided, single submitter. Criteria: Invitae Variant Classification Sherloc (09022015). Collection method: clinical testing. Allele origin: germline.
Comment: This sequence change replaces leucine, which is neutral and non-polar, with phenylalanine, which is neutral and non-polar, at codon 3 of the IFT140 protein (p.Leu3Phe). This variant is present in population databases (no rsID available, gnomAD 0.003%). This variant has not been reported in the literature in individuals affected with IFT140-related conditions. ClinVar contains an entry for this variant (Variation ID: 839114). Algorithms developed to predict the effect of missense changes on protein structure and function are either unavailable or do not agree on the potential impact of this missense change (SIFT: "Deleterious"; PolyPhen-2: "Possibly Damaging"; Align-GVGD: "Class C0"). In summary, the available evidence is currently insufficient to determine the role of this variant in disease. Therefore, it has been classified as a Variant of Uncertain Significance.

Fulgent Genetics
Classification: Uncertain significance for Saldino-Mainzer syndrome; Retinitis pigmentosa 80. Last evaluated: 2022-05-20. Review status: criteria provided, single submitter. Criteria: ACMG Guidelines, 2015. Collection method: clinical testing. Allele origin: unknown.